The following is an entry in ClinVar:

ClinVar aggregate classification (germline): Uncertain significance (1 of 4 stars; one submission).

Conditions:
Progressive familial heart block type IB (PFHB1B). Identifiers: Orphanet 871, MedGen C1970298, MONDO:0011474, OMIM 604559.

Allele frequency attached by ClinVar (database versions not stated): gnomAD exomes below 0.00001; gnomAD 0.00001; TOPMed 0.00001; ExAC 0.00003.
gnomAD v4.1: 2 of 1,576,906 alleles (0.00013%); highest among the groups gnomAD compares: Admixed American, 0.0035%; no homozygotes.

Submission:

Labcorp Genetics (formerly Invitae), Labcorp
Classification: Uncertain significance for Progressive familial heart block type IB. Last evaluated: 2021-08-29. Review status: criteria provided, single submitter. Criteria: Invitae Variant Classification Sherloc (09022015). Collection method: clinical testing. Allele origin: germline.
Comment: In summary, the available evidence is currently insufficient to determine the role of this variant in disease. Therefore, it has been classified as a Variant of Uncertain Significance. Algorithms developed to predict the effect of missense changes on protein structure and function (SIFT, PolyPhen-2, Align-GVGD) all suggest that this variant is likely to be tolerated. This variant has not been reported in the literature in individuals affected with TRPM4-related conditions. This variant is present in population databases (rs761302556, ExAC 0.05%). This sequence change replaces glutamine with glutamic acid at codon 854 of the TRPM4 protein (p.Gln854Glu). The glutamine residue is weakly conserved and there is a small physicochemical difference between glutamine and glutamic acid.

NM_017636.4(TRPM4):c.2560C>G (p.Gln854Glu)

Gene: TRPM4 (transient receptor potential cation channel subfamily M member 4; plus strand). Cytogenetic location: 19q13.33.
Variant type: single nucleotide variant.
Coding change: c.2560C>G on transcript NM_017636.4 (MANE Select); coding-DNA position 2560, C replaced by G.
Protein change: p.Gln854Glu; replaces glutamine 854 with glutamic acid.
Molecular consequence: missense variant. On other transcripts: intron variant (1).
Genome position (GRCh38, 1-based): chr19:49,196,789, C>G. VCF-style: chr19-49196789-C-G. GRCh37 (hg19) VCF-style: chr19-49700046-C-G.
Other names: c.2215C>G, p.Gln739Glu (NM_001321281.2); c.952C>G, p.Gln318Glu (NM_001321282.2); c.2038C>G, p.Gln680Glu (NM_001321283.2); c.1498C>G, p.Gln500Glu (NM_001321285.2); c.2211-3511C>G (NM_001195227.2); short protein forms Q854E, Q680E, Q318E, Q500E, Q739E.
Identifiers: ClinVar variation 1499927 (VCV001499927.6), dbSNP rs761302556, ClinGen allele CA9569574.